The following is an entry in ClinVar:

ClinVar aggregate classification (germline): Uncertain significance. Review status: criteria provided, multiple submitters, no conflicts (2 of 4 stars). 4 submissions from 4 submitters: Uncertain significance (4). Last evaluated 2025-11-06.

Conditions:
Inborn genetic diseases. Identifiers: MedGen C0950123, MeSH D030342.
Fanconi anemia (FA). Also called: Fanconi's anemia. Identifiers: Orphanet 84, MedGen C0015625, MeSH D005199, MONDO:0019391.

Allele frequency attached by ClinVar (database versions not stated): gnomAD exomes below 0.00001 and 0.00001; TOPMed 0.00001; gnomAD 0.00002.
gnomAD v4.1: 8 of 1,613,822 alleles (0.0005%); highest among the groups gnomAD compares: African/African-American, 0.0013%; no homozygotes.

Submissions (4):

Quest Diagnostics Nichols Institute San Juan Capistrano
Classification: Uncertain significance. Last evaluated: 2025-11-06. Review status: criteria provided, single submitter. Criteria: Quest Diagnostics criteria. Collection method: clinical testing. Allele origin: unknown.
Comment: The FANCM c.5399C>A (p.Pro1800Gln) variant has not been reported in individuals with FANCM-related conditions in the published literature. The frequency of this variant in the general population (Genome Aggregation Database) is uninformative in the assessment of its pathogenicity. Analysis of this variant using bioinformatics tools for the prediction of the effect of amino acid changes on protein structure and function yielded predictions that this variant is benign. Based on the available information, we are unable to determine the clinical significance of this variant.

Ambry Genetics
Classification: Uncertain significance for Inborn genetic diseases. Last evaluated: 2025-10-15. Review status: criteria provided, single submitter. Criteria: Ambry Variant Classification Scheme 2023. Collection method: clinical testing. Allele origin: germline.

GeneDx
Classification: Uncertain significance. Last evaluated: 2023-11-12. Review status: criteria provided, single submitter. Criteria: GeneDx Variant Classification Process June 2021. Collection method: clinical testing. Allele origin: germline. Affected: yes.
Comment: Not observed at significant frequency in large population cohorts (gnomAD); In silico analysis supports that this missense variant has a deleterious effect on protein structure/function; Has not been previously published as pathogenic or benign to our knowledge

Labcorp Genetics (formerly Invitae), Labcorp
Classification: Uncertain significance for Fanconi anemia. Last evaluated: 2023-06-23. Review status: criteria provided, single submitter. Criteria: Invitae Variant Classification Sherloc (09022015). Collection method: clinical testing. Allele origin: germline.
Comment: This sequence change replaces proline, which is neutral and non-polar, with glutamine, which is neutral and polar, at codon 1800 of the FANCM protein (p.Pro1800Gln). This variant is present in population databases (no rsID available, gnomAD 0.0009%). This variant has not been reported in the literature in individuals affected with FANCM-related conditions. ClinVar contains an entry for this variant (Variation ID: 960837). An algorithm developed to predict the effect of missense changes on protein structure and function (PolyPhen-2) suggests that this variant is likely to be tolerated. In summary, the available evidence is currently insufficient to determine the role of this variant in disease. Therefore, it has been classified as a Variant of Uncertain Significance.

NM_020937.4(FANCM):c.5399C>A (p.Pro1800Gln)

Gene: FANCM (FA complementation group M; plus strand). Cytogenetic location: 14q21.2.
Variant type: single nucleotide variant.
Coding change: c.5399C>A on transcript NM_020937.4 (MANE Select); coding-DNA position 5399, C replaced by A.
Protein change: p.Pro1800Gln; replaces proline 1800 with glutamine.
Molecular consequence: missense variant.
Genome position (GRCh38, 1-based): chr14:45,196,230, C>A. VCF-style: chr14-45196230-C-A. GRCh37 (hg19) VCF-style: chr14-45665433-C-A.
Other names: c.5321C>A, p.Pro1774Gln (NM_001308133.2); c.5399C>A (NM_020937.3); short protein forms P1774Q, P1800Q.
Identifiers: ClinVar variation 960837 (VCV000960837.14), dbSNP rs1449697144, ClinGen allele CA389585690.